The following is an entry in ClinVar:

NM_016335.6(PRODH):c.1562= (p.Arg521=)

Gene: PRODH (proline dehydrogenase 1; minus strand). Cytogenetic location: 22q11.21.
Variant type: single nucleotide variant.
Coding change: c.1562= on transcript NM_016335.6 (MANE Select); coding-DNA position 1562, no change from the reference sequence.
Protein change: p.Arg521=; no amino-acid change (arginine 521 retained).
Molecular consequence: no sequence alteration.
Genome position: GRCh38 VCF-style: chr22-18913491-C-C. GRCh37 (hg19) VCF-style: chr22-18901004-C-C.
Other names: Q521R; c.1238=, p.Arg413= (NM_001195226.2).
Identifiers: ClinVar variation 4010 (VCV000004010.14), dbSNP rs450046.
Genomic context (GRCh38, chr22:18,913,491, plus strand): 5'-CACTCACCCAGCGGGAAGCTGATCTGGTCACACATGCCTAGCAGCTGTCCAAAGTACACC[C=]GGTGGTCAGCAGGATGCAGGCCCAGCTCCTCCATCCTGTGCAGGTGAAGCCAGGAACTGA-3'
Protein context (NP_057419.5, residues 511-531): EELGLHPADH[Arg521=]VYFGQLLGMC

ClinVar aggregate classification (germline): Benign. Review status: criteria provided, single submitter (1 of 4 stars). 4 submissions from 3 submitters: Benign (1). 3 of the submissions do not count toward it. Last evaluated 2026-02-03.

Conditions:
Schizophrenia 4 (SCZD4). Also called: SCHIZOPHRENIA, SUSCEPTIBILITY TO, 4; SCHIZOPHRENIA SUSCEPTIBILITY LOCUS, CHROMOSOME 22q11-RELATED. Identifiers: MedGen C1833247, MONDO:0010943, OMIM 600850.
Proline dehydrogenase deficiency (HYRPRO1). Also called: Hyperprolinemia type 1; PROLINE OXIDASE DEFICIENCY. Identifiers: Orphanet 419, MedGen C0268529, MONDO:0009400, OMIM 239500.

Allele frequency attached by ClinVar (database versions not stated): gnomAD exomes 0.07172; ExAC 0.08291; 1000 Genomes Project 0.09445; gnomAD 0.99713 and 0.99729.

Submissions (4):

Labcorp Genetics (formerly Invitae), Labcorp
Classification: Benign for Proline dehydrogenase deficiency. Last evaluated: 2026-02-03. Review status: criteria provided, single submitter. Criteria: Invitae Variant Classification Sherloc (09022015). Collection method: clinical testing. Allele origin: germline.

OMIM
Classification: Pathogenic for HYPERPROLINEMIA, TYPE I. Last evaluated: 2005-03-01. Review status: no assertion criteria provided. Collection method: literature only. Allele origin: germline. Not counted in ClinVar's aggregate classification.

OMIM
Classification: risk factor for SCHIZOPHRENIA, SUSCEPTIBILITY TO, 4. Last evaluated: 2005-03-01. Review status: no assertion criteria provided. Collection method: literature only. Allele origin: germline. Not counted in ClinVar's aggregate classification.

Genomic Research Center, Shahid Beheshti University of Medical Sciences
Classification: Pathogenic. Review status: no assertion criteria provided. Collection method: not provided. Allele origin: inherited. Not counted in ClinVar's aggregate classification.
ClinVar note: Converted during submission from pathogenic to Pathogenic.

Literature cited by the submitters: PubMed 12217952 (cited by OMIM); PubMed 15662599 (cited by OMIM).